The following is an entry in ClinVar:

NM_024996.7(GFM1):c.1872C>A (p.Ile624=)

Gene: GFM1 (G elongation factor mitochondrial 1; plus strand). Cytogenetic location: 3q25.32.
Variant type: single nucleotide variant.
Coding change: c.1872C>A on transcript NM_024996.7 (MANE Select); coding-DNA position 1872, C replaced by A.
Protein change: p.Ile624=; no amino-acid change (isoleucine 624 retained).
Molecular consequence: synonymous variant. On other transcripts: non-coding transcript variant (2).
Genome position (GRCh38, 1-based): chr3:158,684,631, C>A. VCF-style: chr3-158684631-C-A. GRCh37 (hg19) VCF-style: chr3-158402420-C-A.
Other names: c.1929C>A, p.Ile643= (NM_001308164.2); c.1791C>A, p.Ile597= (NM_001374355.1); c.1755C>A, p.Ile585= (NM_001374356.1); c.1647C>A, p.Ile549= (NM_001374357.1); c.1413C>A, p.Ile471= (NM_001374358.1); c.1305C>A, p.Ile435= (NM_001374359.1, NM_001374360.1); c.1188C>A, p.Ile396= (NM_001374361.1); c.1872C>A (NM_024996.5).
Identifiers: ClinVar variation 1567822 (VCV001567822.9), dbSNP rs1725679318, ClinGen allele CA436490271.

ClinVar aggregate classification (germline): Conflicting classifications of pathogenicity. Review status: criteria provided, conflicting classifications (1 of 4 stars). 2 submissions from 2 submitters: Uncertain significance (1); Likely benign (1). Last evaluated 2024-10-07.

Allele frequency attached by ClinVar (database versions not stated): TOPMed below 0.00001.
gnomAD v4.1: 2 of 1,614,050 alleles (0.00012%); highest among the groups gnomAD compares: Non-Finnish European, 0.000085%; no homozygotes.

Submissions (2):

GeneDx
Classification: Uncertain significance. Last evaluated: 2024-10-07. Review status: criteria provided, single submitter. Criteria: GeneDx Variant Classification Process June 2021. Collection method: clinical testing. Allele origin: germline. Affected: yes.
Comment: Not observed at significant frequency in large population cohorts (gnomAD); In silico analysis indicates that this variant does not alter splicing; Has not been previously published as pathogenic or benign to our knowledge

Labcorp Genetics (formerly Invitae), Labcorp
Classification: Likely benign. Last evaluated: 2021-11-18. Review status: criteria provided, single submitter. Criteria: Invitae Variant Classification Sherloc (09022015). Collection method: clinical testing. Allele origin: germline.